The following is an entry in ClinVar:

ClinVar aggregate classification (germline): Uncertain significance. Review status: criteria provided, multiple submitters, no conflicts (2 of 4 stars). 2 submissions from 2 submitters: Uncertain significance (2). Last evaluated 2025-08-08.

Conditions:
Inborn genetic diseases. Identifiers: MedGen C0950123, MeSH D030342.

Allele frequency attached by ClinVar (database versions not stated): ExAC 0.00003; gnomAD exomes 0.00003 and 0.00006; TOPMed 0.00007; gnomAD 0.00009 and 0.00010; ESP Exome Variant Server 0.00023.
gnomAD v4.1: 66 of 1,613,884 alleles (0.0041%); highest among the groups gnomAD compares: African/African-American, 0.021%; no homozygotes.

Submissions (2):

Ambry Genetics
Classification: Uncertain significance for Inborn genetic diseases. Last evaluated: 2025-08-08. Review status: criteria provided, single submitter. Criteria: Ambry Variant Classification Scheme 2023. Collection method: clinical testing. Allele origin: germline.

Labcorp Genetics (formerly Invitae), Labcorp
Classification: Uncertain significance. Last evaluated: 2025-01-15. Review status: criteria provided, single submitter. Criteria: Invitae Variant Classification Sherloc (09022015). Collection method: clinical testing. Allele origin: germline.
Comment: This sequence change replaces arginine, which is basic and polar, with glutamine, which is neutral and polar, at codon 221 of the CDH3 protein (p.Arg221Gln). This variant is present in population databases (rs371682154, gnomAD 0.03%). This variant has not been reported in the literature in individuals affected with CDH3-related conditions. ClinVar contains an entry for this variant (Variation ID: 1353691). Invitae Evidence Modeling of protein sequence and biophysical properties (such as structural, functional, and spatial information, amino acid conservation, physicochemical variation, residue mobility, and thermodynamic stability) indicates that this missense variant is not expected to disrupt CDH3 protein function with a negative predictive value of 80%. In summary, the available evidence is currently insufficient to determine the role of this variant in disease. Therefore, it has been classified as a Variant of Uncertain Significance.

NM_001793.6(CDH3):c.662G>A (p.Arg221Gln)

Gene: CDH3 (cadherin 3; plus strand). Cytogenetic location: 16q22.1.
Variant type: single nucleotide variant.
Coding change: c.662G>A on transcript NM_001793.6 (MANE Select); coding-DNA position 662, G replaced by A.
Protein change: p.Arg221Gln; replaces arginine 221 with glutamine.
Molecular consequence: missense variant.
Genome position (GRCh38, 1-based): chr16:68,678,877, G>A. VCF-style: chr16-68678877-G-A. GRCh37 (hg19) VCF-style: chr16-68712780-G-A.
Other names: c.662G>A (NM_001793.4); c.662G>A, p.Arg221Gln (NM_001317195.3); c.497G>A, p.Arg166Gln (NM_001317196.2); short protein forms R166Q, R221Q.
Identifiers: ClinVar variation 1353691 (VCV001353691.6), dbSNP rs371682154, ClinGen allele CA8129092.